The following is an entry in ClinVar:

ClinVar aggregate classification (germline): Benign. Review status: criteria provided, multiple submitters, no conflicts (2 of 4 stars). 3 submissions from 3 submitters: Benign (3). Last evaluated 2026-02-01.

Allele frequency attached by ClinVar (database versions not stated): gnomAD 0.00096 and 0.00127; TOPMed 0.00168; ExAC 0.00260; gnomAD exomes 0.00291; 1000 Genomes Project 30x 0.00390; 1000 Genomes Project 0.00419.
gnomAD v4.1: 1,650 of 1,612,940 alleles (0.1%); highest among the groups gnomAD compares: East Asian, 1.2%; 13 homozygotes.

Submissions (3):

CeGaT Center for Human Genetics Tuebingen
Classification: Benign. Last evaluated: 2026-02-01. Review status: criteria provided, single submitter. Criteria: CeGaT Center For Human Genetics Tuebingen Variant Classification Criteria Version 2. Collection method: clinical testing. Allele origin: germline. Affected: yes. Observed: 1 variant allele.
Comment: DLG5: BP4, BP7, BS1, BS2

Labcorp Genetics (formerly Invitae), Labcorp
Classification: Benign. Last evaluated: 2018-03-29. Review status: criteria provided, single submitter. Criteria: Invitae Variant Classification Sherloc (09022015). Collection method: clinical testing. Allele origin: germline.

Breakthrough Genomics
Classification: Benign. Review status: criteria provided, single submitter. Criteria: ACMG Guidelines, 2015. Collection method: not provided. Allele origin: germline. Inheritance: Unknown mechanism. Affected: yes.

NM_004747.4(DLG5):c.3144G>A (p.Pro1048=)

Gene: DLG5 (discs large MAGUK scaffold protein 5; minus strand). Cytogenetic location: 10q22.3.
Variant type: single nucleotide variant.
Coding change: c.3144G>A on transcript NM_004747.4 (MANE Select); coding-DNA position 3144, G replaced by A.
Protein change: p.Pro1048=; no amino-acid change (proline 1048 retained).
Molecular consequence: synonymous variant.
Genome position (GRCh38, 1-based): chr10:77,821,340, C>T on the plus strand (G>A on the coding strand, the complement: DLG5 is on the minus strand). VCF-style: chr10-77821340-C-T. GRCh37 (hg19) VCF-style: chr10-79581098-C-T.
Identifiers: ClinVar variation 786781 (VCV000786781.8), dbSNP rs74820799, ClinGen allele CA5569685.